The following is an entry in ClinVar:

NM_000083.3(CLCN1):c.854-8C>T

Gene: CLCN1 (chloride voltage-gated channel 1; plus strand). Cytogenetic location: 7q34.
Variant type: single nucleotide variant.
Coding change: c.854-8C>T on transcript NM_000083.3 (MANE Select); 8 bases into the intron before coding-DNA position 854, C replaced by T.
Molecular consequence: intron variant.
Genome position (GRCh38, 1-based): chr7:143,330,764, C>T. VCF-style: chr7-143330764-C-T. GRCh37 (hg19) VCF-style: chr7-143027857-C-T.
Identifiers: ClinVar variation 385554 (VCV000385554.1), dbSNP rs201115855, ClinGen allele CA16605056.

ClinVar aggregate classification (germline): Likely benign (1 of 4 stars; one submission).

Allele frequency attached by ClinVar (database versions not stated): gnomAD exomes below 0.00001; TOPMed below 0.00001.
gnomAD v4.1: 6 of 1,613,970 alleles (0.00037%); highest among the groups gnomAD compares: Non-Finnish European, 0.00042%; no homozygotes.

Submission:

GeneDx
Classification: Likely benign. Last evaluated: 2016-05-06. Review status: criteria provided, single submitter. Criteria: GeneDx Variant Classification (06012015). Collection method: clinical testing. Allele origin: germline. Affected: yes.
Comment: This variant is considered likely benign or benign based on one or more of the following criteria: it is a conservative change, it occurs at a poorly conserved position in the protein, it is predicted to be benign by multiple in silico algorithms, and/or has population frequency not consistent with disease.